The following is an entry in ClinVar:

ClinVar aggregate classification (germline): Uncertain significance. Review status: criteria provided, multiple submitters, no conflicts (2 of 4 stars). 2 submissions from 2 submitters: Uncertain significance (2). Last evaluated 2025-03-07.

Conditions:
Hereditary cancer-predisposing syndrome. Also called: Tumor predisposition; Neoplastic Syndromes, Hereditary; Hereditary neoplastic syndrome; Hereditary Cancer Syndrome. Identifiers: Orphanet 140162, MedGen C0027672, MeSH D009386, MONDO:0015356.

Submissions (2):

Ambry Genetics
Classification: Uncertain significance for Hereditary cancer-predisposing syndrome. Last evaluated: 2025-03-07. Review status: criteria provided, single submitter. Criteria: Ambry Variant Classification Scheme 2023. Collection method: clinical testing. Allele origin: germline.
Comment: The p.G2D variant (also known as c.5G>A), located in coding exon 1 of the CDH1 gene, results from a G to A substitution at nucleotide position 5. The glycine at codon 2 is replaced by aspartic acid, an amino acid with similar properties. This amino acid position is highly conserved in available vertebrate species. In addition, this alteration is predicted to be tolerated by in silico analysis. Based on the available evidence, the clinical significance of this variant remains unclear.

Color Diagnostics, LLC DBA Color Health
Classification: Uncertain significance for Hereditary cancer-predisposing syndrome. Last evaluated: 2019-04-05. Review status: criteria provided, single submitter. Criteria: ACMG Guidelines, 2015. Collection method: clinical testing. Allele origin: germline.

NM_004360.5(CDH1):c.5G>A (p.Gly2Asp)

Gene: CDH1 (cadherin 1; plus strand). Cytogenetic location: 16q22.1.
Variant type: single nucleotide variant.
Coding change: c.5G>A on transcript NM_004360.5 (MANE Select); coding-DNA position 5, G replaced by A.
Protein change: p.Gly2Asp; replaces glycine 2 with aspartic acid.
Molecular consequence: missense variant. On other transcripts: 5 prime UTR variant (2).
Genome position (GRCh38, 1-based): chr16:68,737,420, G>A. VCF-style: chr16-68737420-G-A. GRCh37 (hg19) VCF-style: chr16-68771323-G-A.
Other names: c.5G>A, p.Gly2Asp (NM_001317184.2); c.-1611G>A (NM_001317185.2); c.-1815G>A (NM_001317186.2); c.5G>A (NM_004360.3); short protein forms G2D.
Identifiers: ClinVar variation 631262 (VCV000631262.4), dbSNP rs878854692, ClinGen allele CA396451206.